The following is an entry in ClinVar:

ClinVar aggregate classification (germline): Uncertain significance (1 of 4 stars; one submission).

Conditions:
Diffuse cerebral and cerebellar atrophy - intractable seizures - progressive microcephaly syndrome. Also called: Microcephaly, progressive, with seizures and cerebral and cerebellar atrophy. Identifiers: Orphanet 404437, MedGen C4014239, MONDO:0014335, OMIM 615760.

Submission:

Labcorp Genetics (formerly Invitae), Labcorp
Classification: Uncertain significance for Diffuse cerebral and cerebellar atrophy - intractable seizures - progressive microcephaly syndrome. Last evaluated: 2016-12-19. Review status: criteria provided, single submitter. Criteria: Invitae Variant Classification Sherloc (09022015). Collection method: clinical testing. Allele origin: germline.
Comment: In summary, this variant is a novel missense change with uncertain impact on protein function. It has been classified as a Variant of Uncertain Significance. Algorithms developed to predict the effect of missense changes on protein structure and function do not agree on the potential impact of this missense change (SIFT: "Tolerated"; PolyPhen-2: "Probably Damaging"; Align-GVGD: "Class C0"). This variant is not present in population databases (ExAC no frequency) and has not been reported in the literature in individuals with a QARS-related disease. This sequence change replaces arginine with glutamine at codon 62 of the QARS protein (p.Arg62Gln). The arginine residue is moderately conserved and there is a small physicochemical difference between arginine and glutamine.

NM_005051.3(QARS1):c.185G>A (p.Arg62Gln)

Gene: QARS1 (glutaminyl-tRNA synthetase 1; minus strand). Cytogenetic location: 3p21.31.
Variant type: single nucleotide variant.
Coding change: c.185G>A on transcript NM_005051.3 (MANE Select); coding-DNA position 185, G replaced by A.
Protein change: p.Arg62Gln; replaces arginine 62 with glutamine.
Molecular consequence: missense variant. On other transcripts: non-coding transcript variant (1).
Genome position (GRCh38, 1-based): chr3:49,104,404, C>T on the plus strand (G>A on the coding strand, the complement: QARS1 is on the minus strand). VCF-style: chr3-49104404-C-T. GRCh37 (hg19) VCF-style: chr3-49141837-C-T.
Other names: c.185G>A, p.Arg62Gln (NM_001272073.2); short protein forms R62Q.
Identifiers: ClinVar variation 409241 (VCV000409241.8), dbSNP rs1060502307, ClinGen allele CA16611405.